The following is an entry in ClinVar:

ClinVar aggregate classification (germline): Uncertain significance. Review status: criteria provided, multiple submitters, no conflicts (2 of 4 stars). 3 submissions from 3 submitters: Uncertain significance (3). Last evaluated 2026-01-11.

Conditions:
Hereditary nonpolyposis colorectal neoplasms. Identifiers: MedGen C0009405, MeSH D003123.
Hereditary cancer-predisposing syndrome. Also called: Hereditary Cancer Syndrome; Hereditary neoplastic syndrome; Neoplastic Syndromes, Hereditary; Tumor predisposition. Identifiers: Orphanet 140162, MedGen C0027672, MeSH D009386, MONDO:0015356.

Allele frequency attached by ClinVar (database versions not stated): TOPMed 0.00001.

Submissions (3):

Labcorp Genetics (formerly Invitae), Labcorp
Classification: Uncertain significance for Hereditary nonpolyposis colorectal neoplasms. Last evaluated: 2026-01-11. Review status: criteria provided, single submitter. Criteria: Invitae Variant Classification Sherloc (09022015). Collection method: clinical testing. Allele origin: germline.
Comment: This sequence change replaces glutamine, which is neutral and polar, with histidine, which is basic and polar, at codon 160 of the PMS2 protein (p.Gln160His). This variant is not present in population databases (gnomAD no frequency). This variant has not been reported in the literature in individuals affected with PMS2-related conditions. ClinVar contains an entry for this variant (Variation ID: 455723). Invitae Evidence Modeling incorporating data from in vitro experimental studies (internal data) indicates that this missense variant is not expected to disrupt PMS2 function with a negative predictive value of 95%. In summary, the available evidence is currently insufficient to determine the role of this variant in disease. Therefore, it has been classified as a Variant of Uncertain Significance.

Ambry Genetics
Classification: Uncertain significance for Hereditary cancer-predisposing syndrome. Last evaluated: 2023-01-05. Review status: criteria provided, single submitter. Criteria: Ambry Variant Classification Scheme 2023. Collection method: clinical testing. Allele origin: germline.
Comment: The p.Q160H variant (also known as c.480G>T), located in coding exon 5 of the PMS2 gene, results from a G to T substitution at nucleotide position 480. The glutamine at codon 160 is replaced by histidine, an amino acid with highly similar properties. This amino acid position is highly conserved in available vertebrate species. In addition, the in silico prediction for this alteration is inconclusive. Since supporting evidence is limited at this time, the clinical significance of this alteration remains unclear.

Color Diagnostics, LLC DBA Color Health
Classification: Uncertain significance for Hereditary cancer-predisposing syndrome. Last evaluated: 2018-10-31. Review status: criteria provided, single submitter. Criteria: ACMG Guidelines, 2015. Collection method: clinical testing. Allele origin: germline.

NM_000535.7(PMS2):c.480G>T (p.Gln160His)

Gene: PMS2 (PMS1 homolog 2, mismatch repair system component; minus strand). Cytogenetic location: 7p22.1.
Variant type: single nucleotide variant.
Coding change: c.480G>T on transcript NM_000535.7 (MANE Select); coding-DNA position 480, G replaced by T.
Protein change: p.Gln160His; replaces glutamine 160 with histidine.
Molecular consequence: missense variant. On other transcripts: 5 prime UTR variant (2), non-coding transcript variant (1).
Genome position (GRCh38, 1-based): chr7:6,002,510, C>A on the plus strand (G>T on the coding strand, the complement: PMS2 is on the minus strand). VCF-style: chr7-6002510-C-A. GRCh37 (hg19) VCF-style: chr7-6042141-C-A.
Other names: c.75G>T, p.Gln25His (NM_001322003.2, NM_001322004.2, NM_001322005.2 and 3 more transcripts); c.480G>T, p.Gln160His (NM_001322006.2, NM_001322014.2); c.162G>T, p.Gln54His (NM_001322007.2, NM_001322008.2); c.-405G>T (NM_001322011.2, NM_001322012.2); c.171G>T, p.Gln57His (NM_001322015.2); short protein forms Q160H, Q57H, Q25H, Q54H.
Identifiers: ClinVar variation 455723 (VCV000455723.15), dbSNP rs1426242773, ClinGen allele CA366744270.